The following is an entry in ClinVar:

ClinVar aggregate classification (germline): Likely benign (1 of 4 stars; one submission).

Allele frequency attached by ClinVar (database versions not stated): gnomAD exomes 0.00043; gnomAD 0.00062; ExAC 0.00217.

Submission:

CeGaT Center for Human Genetics Tuebingen
Classification: Likely benign. Last evaluated: 2025-07-01. Review status: criteria provided, single submitter. Criteria: CeGaT Center For Human Genetics Tuebingen Variant Classification Criteria Version 2. Collection method: clinical testing. Allele origin: germline. Affected: yes. Observed: 2 variant alleles.
Comment: PABPC1L2B: BP4, BP7

NM_001042506.2(PABPC1L2B):c.42C>G (p.Thr14=)

Gene: PABPC1L2B (poly(A) binding protein cytoplasmic 1 like 2B; plus strand). Cytogenetic location: Xq13.2.
Variant type: single nucleotide variant.
Coding change: c.42C>G on transcript NM_001042506.2 (MANE Select); coding-DNA position 42, C replaced by G.
Protein change: p.Thr14=; no amino-acid change (threonine 14 retained).
Molecular consequence: synonymous variant.
Genome position (GRCh38, 1-based): chrX:73,003,684, C>G. VCF-style: chrX-73003684-C-G. GRCh37 (hg19) VCF-style: chrX-72223523-C-G.
Identifiers: ClinVar variation 2660922 (VCV002660922.24), dbSNP rs782131393, ClinGen allele CA10451211.